The following is an entry in ClinVar:

ClinVar aggregate classification (germline): Uncertain significance. Review status: criteria provided, multiple submitters, no conflicts (2 of 4 stars). 6 submissions from 6 submitters: Uncertain significance (5). 1 of the submissions does not count toward it. Last evaluated 2025-03-24.

Conditions:
MSH3-related disorder. Also called: MSH3-related condition.
Hereditary cancer-predisposing syndrome. Also called: Hereditary Cancer Syndrome; Tumor predisposition; Hereditary neoplastic syndrome; Neoplastic Syndromes, Hereditary. Identifiers: Orphanet 140162, MedGen C0027672, MeSH D009386, MONDO:0015356.
Endometrial carcinoma. Also called: Endometrial carcinoma, somatic. Identifiers: MedGen C0476089, MONDO:0002447, OMIM 608089, HP:0012114.

Allele frequency attached by ClinVar (database versions not stated): ExAC 0.00001; gnomAD exomes 0.00001 and 0.00002; gnomAD 0.00007; TOPMed 0.00008.
gnomAD v4.1: 19 of 1,614,014 alleles (0.0012%); highest among the groups gnomAD compares: African/African-American, 0.025%; no homozygotes.

Submissions (6):

Ambry Genetics
Classification: Uncertain significance for Hereditary cancer-predisposing syndrome. Last evaluated: 2025-03-24. Review status: criteria provided, single submitter. Criteria: Ambry Variant Classification Scheme 2023. Collection method: clinical testing. Allele origin: germline.
Comment: The p.L432W variant (also known as c.1295T>G), located in coding exon 8 of the MSH3 gene, results from a T to G substitution at nucleotide position 1295. The leucine at codon 432 is replaced by tryptophan, an amino acid with similar properties. This variant has been detected in an individual with a personal and family history of colorectal cancer (Raskin L et al. Oncotarget, 2017 Nov;8:93450-93463). This amino acid position is well conserved in available vertebrate species. In addition, the in silico prediction for this alteration is inconclusive. Since supporting evidence is limited at this time, the clinical significance of this alteration remains unclear.

Labcorp Genetics (formerly Invitae), Labcorp
Classification: Uncertain significance. Last evaluated: 2025-01-27. Review status: criteria provided, single submitter. Criteria: Invitae Variant Classification Sherloc (09022015). Collection method: clinical testing. Allele origin: germline.
Comment: This sequence change replaces leucine, which is neutral and non-polar, with tryptophan, which is neutral and slightly polar, at codon 432 of the MSH3 protein (p.Leu432Trp). This variant is present in population databases (rs770687133, gnomAD 0.02%). This missense change has been observed in individual(s) with a personal and family history of colorectal cancer (PMID: 29212164). ClinVar contains an entry for this variant (Variation ID: 647051). An algorithm developed to predict the effect of missense changes on protein structure and function (PolyPhen-2) suggests that this variant is likely to be disruptive. In summary, the available evidence is currently insufficient to determine the role of this variant in disease. Therefore, it has been classified as a Variant of Uncertain Significance.

Quest Diagnostics Nichols Institute San Juan Capistrano
Classification: Uncertain significance. Last evaluated: 2024-09-23. Review status: criteria provided, single submitter. Criteria: Quest Diagnostics criteria. Collection method: clinical testing. Allele origin: unknown.
Comment: The MSH3 c.1295T>G (p.Leu432Trp) variant has been reported in the published literature in a cohort of familial colorectal cancer cases (PMID: 29212164 (2017)). The frequency of this variant in the general population, 0.0002 (5/24966 chromosomes (Genome Aggregation Database)), is uninformative in the assessment of its pathogenicity. Analysis of this variant using bioinformatics tools for the prediction of the effect of amino acid changes on protein structure and function yielded conflicting predictions that this variant is benign or damaging. Based on the available information, we are unable to determine the clinical significance of this variant.

GeneDx
Classification: Uncertain significance. Last evaluated: 2024-07-31. Review status: criteria provided, single submitter. Criteria: GeneDx Variant Classification Process June 2021. Collection method: clinical testing. Allele origin: germline. Affected: yes.
Comment: In silico analysis supports that this missense variant has a deleterious effect on protein structure/function; Observed in an individual with colon cancer that had normal expression of MMR proteins and was MSI-low (PMID: 29212164); This variant is associated with the following publications: (PMID: 29212164)

Baylor Genetics
Classification: Uncertain significance for Endometrial carcinoma. Last evaluated: 2023-12-28. Review status: criteria provided, single submitter. Criteria: ACMG Guidelines, 2015. Collection method: clinical testing. Allele origin: unknown.

PreventionGenetics, part of Exact Sciences
Classification: Uncertain significance for MSH3-related condition. Last evaluated: 2023-12-13. Review status: no assertion criteria provided. Collection method: clinical testing. Allele origin: germline. Not counted in ClinVar's aggregate classification.
Comment: The MSH3 c.1295T>G variant is predicted to result in the amino acid substitution p.Leu432Trp. This variant was reported in an individual with colorectal cancer (Table S2, Raskin et al. 2017. PubMed ID: 29212164). This variant is reported in 0.020% of alleles in individuals of African descent in gnomAD. It is interpreted as uncertain significance in ClinVar. At this time, the clinical significance of this variant is uncertain due to the absence of conclusive functional and genetic evidence.

Literature cited by the submitters: PubMed 29212164 (cited by 3 submitters).

NM_002439.5(MSH3):c.1295T>G (p.Leu432Trp)

Gene: MSH3 (mutS homolog 3; plus strand). Cytogenetic location: 5q14.1.
Variant type: single nucleotide variant.
Coding change: c.1295T>G on transcript NM_002439.5 (MANE Select); coding-DNA position 1295, T replaced by G.
Protein change: p.Leu432Trp; replaces leucine 432 with tryptophan.
Molecular consequence: missense variant.
Genome position (GRCh38, 1-based): chr5:80,679,048, T>G. VCF-style: chr5-80679048-T-G. GRCh37 (hg19) VCF-style: chr5-79974867-T-G.
Other names: short protein forms L432W.
Identifiers: ClinVar variation 647051 (VCV000647051.17), dbSNP rs770687133, ClinGen allele CA3327851.